The following is an entry in ClinVar:

ClinVar aggregate classification (germline): Benign (0 of 4 stars; one submission).

Conditions:
HK2-related disorder. Also called: HK2-related condition.

Allele frequency attached by ClinVar (database versions not stated): 1000 Genomes Project 0.00479; TOPMed 0.00539; gnomAD 0.00490; 1000 Genomes Project 30x 0.00562; ExAC 0.00268; ESP Exome Variant Server 0.00490.
gnomAD v4.1: 1,334 of 1,561,544 alleles (0.085%); highest among the groups gnomAD compares: African/African-American, 1.6%; 12 homozygotes.

Submission:

PreventionGenetics, part of Exact Sciences
Classification: Benign for HK2-related condition. Last evaluated: 2019-09-10. Review status: no assertion criteria provided. Collection method: clinical testing. Allele origin: germline.
Comment: This variant is classified as benign based on ACMG/AMP sequence variant interpretation guidelines (Richards et al. 2015 PMID: 25741868, with internal and published modifications).

NM_000189.5(HK2):c.1159G>T (p.Ala387Ser)

Gene: HK2 (hexokinase 2; plus strand). Cytogenetic location: 2p12.
Variant type: single nucleotide variant.
Coding change: c.1159G>T on transcript NM_000189.5 (MANE Select); coding-DNA position 1159, G replaced by T.
Protein change: p.Ala387Ser; replaces alanine 387 with serine.
Molecular consequence: missense variant.
Genome position (GRCh38, 1-based): chr2:74,878,815, G>T. VCF-style: chr2-74878815-G-T. GRCh37 (hg19) VCF-style: chr2-75105942-G-T.
Other names: c.1075G>T, p.Ala359Ser (NM_001371525.2); short protein forms A359S, A387S.
Identifiers: ClinVar variation 3041160 (VCV003041160.2), dbSNP rs28363029, ClinGen allele CA1731331.
Genomic context (GRCh38, chr2:74,878,815, plus strand): 5'-GACTGCGTGGCCACTCACCGGATCTGCCAGATCGTGTCCACACGCTCCGCCAGCCTGTGC[G>T]CAGCCACCCTGGCCGCCGTGCTGCAGCGCATCAAGGAGAACAAAGGCGAGGAGCGGCTGC-3'
Protein context (NP_000180.2, residues 377-397): IVSTRSASLC[Ala387Ser]ATLAAVLQRI